The following is an entry in ClinVar:

ClinVar aggregate classification (germline): Uncertain significance. Review status: criteria provided, multiple submitters, no conflicts (2 of 4 stars). 2 submissions from 2 submitters: Uncertain significance (2). Last evaluated 2023-02-13.

Conditions:
Inborn genetic diseases. Identifiers: MedGen C0950123, MeSH D030342.
Bardet-Biedl syndrome (BBS). Identifiers: Orphanet 110, MedGen C0752166, MONDO:0015229.

Allele frequency attached by ClinVar (database versions not stated): gnomAD 0.00001; TOPMed 0.00001; ExAC 0.00002; gnomAD exomes 0.00002.
gnomAD v4.1: 29 of 1,612,348 alleles (0.0018%); highest among the groups gnomAD compares: Non-Finnish European, 0.0024%; no homozygotes.

Submissions (2):

Ambry Genetics
Classification: Uncertain significance for Inborn genetic diseases. Last evaluated: 2023-02-13. Review status: criteria provided, single submitter. Criteria: Ambry Variant Classification Scheme 2023. Collection method: clinical testing. Allele origin: germline.

Labcorp Genetics (formerly Invitae), Labcorp
Classification: Uncertain significance for Bardet-Biedl syndrome. Last evaluated: 2022-06-16. Review status: criteria provided, single submitter. Criteria: Invitae Variant Classification Sherloc (09022015). Collection method: clinical testing. Allele origin: germline.
Comment: This sequence change replaces proline, which is neutral and non-polar, with leucine, which is neutral and non-polar, at codon 516 of the BBS9 protein (p.Pro516Leu). This variant is present in population databases (rs774639031, gnomAD 0.008%). This variant has not been reported in the literature in individuals affected with BBS9-related conditions. Algorithms developed to predict the effect of missense changes on protein structure and function are either unavailable or do not agree on the potential impact of this missense change (SIFT: "Tolerated"; PolyPhen-2: "Benign"; Align-GVGD: "Class C25"). In summary, the available evidence is currently insufficient to determine the role of this variant in disease. Therefore, it has been classified as a Variant of Uncertain Significance.

NM_198428.3(BBS9):c.1547C>T (p.Pro516Leu)

Gene: BBS9 (Bardet-Biedl syndrome 9; plus strand). Cytogenetic location: 7p14.3.
Variant type: single nucleotide variant.
Coding change: c.1547C>T on transcript NM_198428.3 (MANE Select); coding-DNA position 1547, C replaced by T.
Protein change: p.Pro516Leu; replaces proline 516 with leucine.
Molecular consequence: missense variant. On other transcripts: non-coding transcript variant (3), intron variant (3).
Genome position (GRCh38, 1-based): chr7:33,352,868, C>T. VCF-style: chr7-33352868-C-T. GRCh37 (hg19) VCF-style: chr7-33392480-C-T.
Other names: c.1547C>T (NM_198428.2); c.1442C>T, p.Pro481Leu (NM_001033604.2); c.1547C>T, p.Pro516Leu (NM_001348036.1, NM_001348041.4, NM_001348043.3 and 3 more transcripts); c.1181C>T, p.Pro394Leu (NM_001348037.3, NM_001348045.3, NM_001348046.3); c.1274C>T, p.Pro425Leu (NM_001348038.3); c.1169C>T, p.Pro390Leu (NM_001348039.3); c.1412C>T, p.Pro471Leu (NM_001348042.3); c.1076C>T, p.Pro359Leu (NM_001348044.3); and 2 more; short protein forms P359L, P390L, P394L, P471L, P425L, P481L, P516L.
Identifiers: ClinVar variation 2191106 (VCV002191106.3), dbSNP rs774639031, ClinGen allele CA4214393.